The following is an entry in ClinVar:

ClinVar aggregate classification (germline): Uncertain significance (1 of 4 stars; one submission).

gnomAD v4.1: 1 of 1,614,150 alleles (0.000062%); highest among the groups gnomAD compares: South Asian, 0.0011%; no homozygotes.

Submission:

Labcorp Genetics (formerly Invitae), Labcorp
Classification: Uncertain significance. Last evaluated: 2024-11-20. Review status: criteria provided, single submitter. Criteria: Invitae Variant Classification Sherloc (09022015). Collection method: clinical testing. Allele origin: germline.
Comment: This sequence change replaces alanine, which is neutral and non-polar, with aspartic acid, which is acidic and polar, at codon 2101 of the POLE protein (p.Ala2101Asp). This variant is not present in population databases (gnomAD no frequency). This missense change has been observed in individual(s) with hereditary breast and/or ovarian cancer (PMID: 36427680). Invitae Evidence Modeling of protein sequence and biophysical properties (such as structural, functional, and spatial information, amino acid conservation, physicochemical variation, residue mobility, and thermodynamic stability) indicates that this missense variant is expected to disrupt POLE protein function with a positive predictive value of 80%. In summary, the available evidence is currently insufficient to determine the role of this variant in disease. Therefore, it has been classified as a Variant of Uncertain Significance.

Literature cited by the submitters: PubMed 36427680.

NM_006231.4(POLE):c.6302C>A (p.Ala2101Asp)

Gene: POLE (DNA polymerase epsilon, catalytic subunit; minus strand). Cytogenetic location: 12q24.33.
Variant type: single nucleotide variant.
Coding change: c.6302C>A on transcript NM_006231.4 (MANE Select); coding-DNA position 6302, C replaced by A.
Protein change: p.Ala2101Asp; replaces alanine 2101 with aspartic acid.
Molecular consequence: missense variant.
Genome position (GRCh38, 1-based): chr12:132,632,343, G>T on the plus strand (C>A on the coding strand, the complement: POLE is on the minus strand). VCF-style: chr12-132632343-G-T. GRCh37 (hg19) VCF-style: chr12-133208929-G-T.
Other names: short protein forms A2101D.
Identifiers: ClinVar variation 3716598 (VCV003716598.2).
Genomic context (GRCh38, chr12:132,632,343, plus strand): 5'-TCCTCTCCTCACACGCACGCTGGCACTCTCACCTTGCACACGTATTTGATGAACTCCAGG[G>T]CAGGGTTATTGAGCAGCAAGTGGGAACCGGGGAGGACAGGAAACATCTCTGAGAGCTCAG-3'
Protein context (NP_006222.2, residues 2091-2111): PGSHLLLNNP[Ala2101Asp]LEFIKYVCKV